The following is an entry in ClinVar:

NM_000219.6(KCNE1):c.77A>C (p.Asn26Thr)

Gene: KCNE1 (potassium voltage-gated channel subfamily E regulatory subunit 1; minus strand). Cytogenetic location: 21q22.12.
Variant type: single nucleotide variant.
Coding change: c.77A>C on transcript NM_000219.6 (MANE Select); coding-DNA position 77, A replaced by C.
Protein change: p.Asn26Thr; replaces asparagine 26 with threonine.
Molecular consequence: missense variant.
Genome position (GRCh38, 1-based): chr21:34,449,558, T>G on the plus strand (A>C on the coding strand, the complement: KCNE1 is on the minus strand). VCF-style: chr21-34449558-T-G. GRCh37 (hg19) VCF-style: chr21-35821856-T-G.
Other names: c.77A>C, p.Asn26Thr (NM_001127668.4, NM_001127669.4, NM_001127670.4 and 4 more transcripts); short protein forms N26T.
Identifiers: ClinVar variation 3373985 (VCV003373985.2).

Conditions:
Long QT syndrome 5 (LQT5). Identifiers: Orphanet 101016, Orphanet 768, MedGen C1867904, MONDO:0013372, OMIM 613695.

Submission:

Roden Lab, Vanderbilt University Medical Center
No classification provided (evidence only). Condition: Long QT syndrome 5. Review status: no classification provided. Collection method: in vitro. Allele origin: not applicable. Functional consequence: Effect on ion channel function.
ClinVar note: "not provided" was previously submitted as the classification for the variant. However, the classification appeared to be based only on an observation of functional data so it was converted to no classification on 2025-07-30.